The following is an entry in ClinVar:

ClinVar aggregate classification (germline): Uncertain significance. Review status: criteria provided, multiple submitters, no conflicts (2 of 4 stars). 2 submissions from 2 submitters: Uncertain significance (2). Last evaluated 2025-07-15.

Conditions:
Inborn genetic diseases. Identifiers: MedGen C0950123, MeSH D030342.

Allele frequency attached by ClinVar (database versions not stated): gnomAD exomes below 0.00001; ExAC 0.00001; gnomAD 0.00003; TOPMed 0.00003.

Submissions (2):

Ambry Genetics
Classification: Uncertain significance for Inborn genetic diseases. Last evaluated: 2025-07-15. Review status: criteria provided, single submitter. Criteria: Ambry Variant Classification Scheme 2023. Collection method: clinical testing. Allele origin: germline.

Labcorp Genetics (formerly Invitae), Labcorp
Classification: Uncertain significance. Last evaluated: 2024-11-18. Review status: criteria provided, single submitter. Criteria: Invitae Variant Classification Sherloc (09022015). Collection method: clinical testing. Allele origin: germline.
Comment: This sequence change replaces glutamic acid, which is acidic and polar, with glutamine, which is neutral and polar, at codon 633 of the PDE6A protein (p.Glu633Gln). This variant is present in population databases (rs755910687, gnomAD 0.008%). This variant has not been reported in the literature in individuals affected with PDE6A-related conditions. ClinVar contains an entry for this variant (Variation ID: 2130622). Invitae Evidence Modeling of protein sequence and biophysical properties (such as structural, functional, and spatial information, amino acid conservation, physicochemical variation, residue mobility, and thermodynamic stability) indicates that this missense variant is not expected to disrupt PDE6A protein function with a negative predictive value of 95%. In summary, the available evidence is currently insufficient to determine the role of this variant in disease. Therefore, it has been classified as a Variant of Uncertain Significance.

NM_000440.3(PDE6A):c.1897G>C (p.Glu633Gln)

Gene: PDE6A (phosphodiesterase 6A; minus strand). Cytogenetic location: 5q32.
Variant type: single nucleotide variant.
Coding change: c.1897G>C on transcript NM_000440.3 (MANE Select); coding-DNA position 1897, G replaced by C.
Protein change: p.Glu633Gln; replaces glutamic acid 633 with glutamine.
Molecular consequence: missense variant.
Genome position (GRCh38, 1-based): chr5:149,884,809, C>G on the plus strand (G>C on the coding strand, the complement: PDE6A is on the minus strand). VCF-style: chr5-149884809-C-G. GRCh37 (hg19) VCF-style: chr5-149264372-C-G.
Other names: c.1654G>C, p.Glu552Gln (NM_001410788.1); c.1897G>C (NM_000440.2); short protein forms E633Q, E552Q.
Identifiers: ClinVar variation 2130622 (VCV002130622.4), dbSNP rs755910687, ClinGen allele CA3504498.